The following is an entry in ClinVar:

NM_001159699.2(FHL1):c.865T>C (p.Cys289Arg)

Gene: FHL1 (four and a half LIM domains 1; plus strand). Cytogenetic location: Xq26.3.
Variant type: single nucleotide variant.
Coding change: c.865T>C on transcript NM_001159699.2 (MANE Select); coding-DNA position 865, T replaced by C.
Protein change: p.Cys289Arg; replaces cysteine 289 with arginine.
Molecular consequence: missense variant. On other transcripts: 3 prime UTR variant (6), non-coding transcript variant (1).
Genome position (GRCh38, 1-based): chrX:136,209,999, T>C. VCF-style: chrX-136209999-T-C. GRCh37 (hg19) VCF-style: chrX-135292158-T-C.
Other names: c.817T>C, p.Cys273Arg (NM_001159700.2, NM_001159704.1, NM_001167819.1 and 4 more transcripts); c.904T>C, p.Cys302Arg (NM_001159701.2); c.*45T>C (NM_001159702.3, NM_001159703.2, NM_001330659.2 and 3 more transcripts); short protein forms C302R, C273R, C289R.
Identifiers: ClinVar variation 2133022 (VCV002133022.4), dbSNP rs2073967346, ClinGen allele CA414609905.

ClinVar aggregate classification (germline): Uncertain significance (1 of 4 stars; one submission).

Conditions:
X-linked myopathy with postural muscle atrophy. Also called: FHL1-Related Emery-Dreifuss Muscular Dystrophy, X-Linked. Identifiers: Orphanet 178461, MedGen C2678055, MONDO:0010401, OMIM 300696.

Submission:

Labcorp Genetics (formerly Invitae), Labcorp
Classification: Uncertain significance for X-linked myopathy with postural muscle atrophy. Last evaluated: 2022-05-02. Review status: criteria provided, single submitter. Criteria: Invitae Variant Classification Sherloc (09022015). Collection method: clinical testing. Allele origin: germline.
Comment: This sequence change replaces cysteine, which is neutral and slightly polar, with arginine, which is basic and polar, at codon 273 of the FHL1 protein (p.Cys273Arg). In summary, the available evidence is currently insufficient to determine the role of this variant in disease. Therefore, it has been classified as a Variant of Uncertain Significance. Algorithms developed to predict the effect of missense changes on protein structure and function are either unavailable or do not agree on the potential impact of this missense change (SIFT: "Deleterious"; PolyPhen-2: "Probably Damaging"; Align-GVGD: "Class C0"). This variant has not been reported in the literature in individuals affected with FHL1-related conditions. This variant is not present in population databases (gnomAD no frequency).